The following is an entry in ClinVar:

NM_175875.5(SIX5):c.899C>A (p.Ala300Asp)

Genes: SIX5 (SIX homeobox 5; minus strand), LOC107075317 (origin of replication in DMPK trinucleotide repeat region; plus strand). Cytogenetic location: 19q13.32.
Variant type: single nucleotide variant.
Coding change: c.899C>A on transcript NM_175875.5 (MANE Select); coding-DNA position 899, C replaced by A.
Protein change: p.Ala300Asp; replaces alanine 300 with aspartic acid.
Molecular consequence: missense variant.
Genome position (GRCh38, 1-based): chr19:45,767,060, G>T on the plus strand (C>A on the coding strand, the complement: SIX5 is on the minus strand). VCF-style: chr19-45767060-G-T. GRCh37 (hg19) VCF-style: chr19-46270318-G-T.
Other names: short protein forms A300D.
Identifiers: ClinVar variation 3608550 (VCV003608550.2).

ClinVar aggregate classification (germline): Uncertain significance (1 of 4 stars; one submission).

Submission:

Labcorp Genetics (formerly Invitae), Labcorp
Classification: Uncertain significance. Last evaluated: 2024-09-16. Review status: criteria provided, single submitter. Criteria: Invitae Variant Classification Sherloc (09022015). Collection method: clinical testing. Allele origin: germline.
Comment: This sequence change replaces alanine, which is neutral and non-polar, with aspartic acid, which is acidic and polar, at codon 300 of the SIX5 protein (p.Ala300Asp). This variant is not present in population databases (gnomAD no frequency). This variant has not been reported in the literature in individuals affected with SIX5-related conditions. Invitae Evidence Modeling of protein sequence and biophysical properties (such as structural, functional, and spatial information, amino acid conservation, physicochemical variation, residue mobility, and thermodynamic stability) indicates that this missense variant is not expected to disrupt SIX5 protein function with a negative predictive value of 80%. Algorithms developed to predict the effect of sequence changes on RNA splicing suggest that this variant may create or strengthen a splice site. In summary, the available evidence is currently insufficient to determine the role of this variant in disease. Therefore, it has been classified as a Variant of Uncertain Significance.